The following is an entry in ClinVar:

NM_005343.4(HRAS):c.150G>A (p.Thr50=)

Genes: LRRC56 (leucine rich repeat containing 56; plus strand), HRAS (HRas proto-oncogene, GTPase; minus strand). Cytogenetic location: 11p15.5.
Variant type: single nucleotide variant.
Coding change: c.150G>A on transcript NM_005343.4 (MANE Select); coding-DNA position 150, G replaced by A.
Protein change: p.Thr50=; no amino-acid change (threonine 50 retained).
Molecular consequence: synonymous variant. On other transcripts: 5 prime UTR variant (1).
Genome position (GRCh38, 1-based): chr11:533,906, C>T on the plus strand (G>A on the coding strand, the complement: HRAS is on the minus strand). VCF-style: chr11-533906-C-T. GRCh37 (hg19) VCF-style: chr11-533906-C-T.
Other names: c.150G>A, p.Thr50= (NM_001130442.3, NM_176795.5); c.-170G>A (NM_001318054.2).
Identifiers: ClinVar variation 378937 (VCV000378937.10), dbSNP rs1057520421, ClinGen allele CA16605951.

ClinVar aggregate classification (germline): Likely benign. Review status: criteria provided, multiple submitters, no conflicts (2 of 4 stars). 3 submissions from 3 submitters: Likely benign (3). Last evaluated 2024-04-11.

Conditions:
Costello syndrome (CSTLO). Also called: FACIOCUTANEOSKELETAL SYNDROME; FCS SYNDROME; HRAS-Related Costello Syndrome. Identifiers: Orphanet 3071, MedGen C0587248, MONDO:0009026, OMIM 218040.

Allele frequency attached by ClinVar (database versions not stated): gnomAD exomes 0.00001.
gnomAD v4.1: 3 of 1,613,096 alleles (0.00019%); highest among the groups gnomAD compares: East Asian, 0.0022%; no homozygotes.

Submissions (3):

Blueprint Genetics
Classification: Likely benign. Last evaluated: 2024-04-11. Review status: criteria provided, single submitter. Criteria: ACMG Guidelines, 2015. Collection method: clinical testing. Allele origin: germline.

Labcorp Genetics (formerly Invitae), Labcorp
Classification: Likely benign for Costello syndrome. Last evaluated: 2022-10-13. Review status: criteria provided, single submitter. Criteria: Invitae Variant Classification Sherloc (09022015). Collection method: clinical testing. Allele origin: germline.

GeneDx
Classification: Likely benign. Last evaluated: 2017-01-06. Review status: criteria provided, single submitter. Criteria: GeneDx Variant Classification (06012015). Collection method: clinical testing. Allele origin: germline. Affected: yes.
Comment: This variant is considered likely benign or benign based on one or more of the following criteria: it is a conservative change, it occurs at a poorly conserved position in the protein, it is predicted to be benign by multiple in silico algorithms, and/or has population frequency not consistent with disease.